The following is an entry in ClinVar:

NM_006231.4(POLE):c.4550C>T (p.Thr1517Ile)

Gene: POLE (DNA polymerase epsilon, catalytic subunit; minus strand). Cytogenetic location: 12q24.33.
Variant type: single nucleotide variant.
Coding change: c.4550C>T on transcript NM_006231.4 (MANE Select); coding-DNA position 4550, C replaced by T.
Protein change: p.Thr1517Ile; replaces threonine 1517 with isoleucine.
Molecular consequence: missense variant.
Genome position (GRCh38, 1-based): chr12:132,643,225, G>A on the plus strand (C>T on the coding strand, the complement: POLE is on the minus strand). VCF-style: chr12-132643225-G-A. GRCh37 (hg19) VCF-style: chr12-133219811-G-A.
Other names: short protein forms T1517I.
Identifiers: ClinVar variation 1001661 (VCV001001661.9), dbSNP rs2042194209, ClinGen allele CA387380256.

ClinVar aggregate classification (germline): Uncertain significance. Review status: criteria provided, multiple submitters, no conflicts (2 of 4 stars). 2 submissions from 2 submitters: Uncertain significance (2). Last evaluated 2022-10-27.

Conditions:
Hereditary cancer-predisposing syndrome. Also called: Neoplastic Syndromes, Hereditary; Tumor predisposition; Hereditary Cancer Syndrome; Hereditary neoplastic syndrome. Identifiers: Orphanet 140162, MedGen C0027672, MeSH D009386, MONDO:0015356.

Allele frequency attached by ClinVar (database versions not stated): gnomAD exomes below 0.00001.
gnomAD v4.1: 1 of 1,613,084 alleles (0.000062%); highest among the groups gnomAD compares: Non-Finnish European, 0.000085%; no homozygotes.

Submissions (2):

Ambry Genetics
Classification: Uncertain significance for Hereditary cancer-predisposing syndrome. Last evaluated: 2022-10-27. Review status: criteria provided, single submitter. Criteria: Ambry Variant Classification Scheme 2023. Collection method: clinical testing. Allele origin: germline.
Comment: The p.T1517I variant (also known as c.4550C>T), located in coding exon 35 of the POLE gene, results from a C to T substitution at nucleotide position 4550. The threonine at codon 1517 is replaced by isoleucine, an amino acid with similar properties. This amino acid position is conserved. In addition, this alteration is predicted to be tolerated by in silico analysis. Since supporting evidence is limited at this time, the clinical significance of this alteration remains unclear.

Labcorp Genetics (formerly Invitae), Labcorp
Classification: Uncertain significance. Last evaluated: 2022-09-20. Review status: criteria provided, single submitter. Criteria: Invitae Variant Classification Sherloc (09022015). Collection method: clinical testing. Allele origin: germline.
Comment: Algorithms developed to predict the effect of missense changes on protein structure and function (SIFT, PolyPhen-2, Align-GVGD) all suggest that this variant is likely to be disruptive. In summary, the available evidence is currently insufficient to determine the role of this variant in disease. Therefore, it has been classified as a Variant of Uncertain Significance. ClinVar contains an entry for this variant (Variation ID: 1001661). This variant has not been reported in the literature in individuals affected with POLE-related conditions. This variant is not present in population databases (gnomAD no frequency). This sequence change replaces threonine, which is neutral and polar, with isoleucine, which is neutral and non-polar, at codon 1517 of the POLE protein (p.Thr1517Ile).